The following is an entry in ClinVar:

ClinVar aggregate classification (germline): Uncertain significance (1 of 4 stars; one submission).

Conditions:
Lipoic acid synthetase deficiency. Also called: HYPERGLYCINEMIA, LACTIC ACIDOSIS, AND SEIZURES. Identifiers: Orphanet 401859, MedGen C3280887, MONDO:0013762, OMIM 614462.

Allele frequency attached by ClinVar (database versions not stated): gnomAD exomes below 0.00001 and 0.00001; gnomAD 0.00001; TOPMed 0.00001.
gnomAD v4.1: 15 of 1,613,212 alleles (0.00093%); highest among the groups gnomAD compares: Non-Finnish European, 0.0013%; no homozygotes.

Submission:

Labcorp Genetics (formerly Invitae), Labcorp
Classification: Uncertain significance for Lipoic acid synthetase deficiency. Last evaluated: 2023-08-10. Review status: criteria provided, single submitter. Criteria: Invitae Variant Classification Sherloc (09022015). Collection method: clinical testing. Allele origin: germline.
Comment: This sequence change replaces glycine, which is neutral and non-polar, with arginine, which is basic and polar, at codon 13 of the LIAS protein (p.Gly13Arg). In summary, the available evidence is currently insufficient to determine the role of this variant in disease. Therefore, it has been classified as a Variant of Uncertain Significance. Algorithms developed to predict the effect of missense changes on protein structure and function output the following: SIFT: "Not Available"; PolyPhen-2: "Benign"; Align-GVGD: "Not Available". The arginine amino acid residue is found in multiple mammalian species, which suggests that this missense change does not adversely affect protein function. ClinVar contains an entry for this variant (Variation ID: 575602). This variant has not been reported in the literature in individuals affected with LIAS-related conditions. The frequency data for this variant in the population databases is considered unreliable, as metrics indicate poor data quality at this position in the gnomAD database.

NM_006859.4(LIAS):c.37G>A (p.Gly13Arg)

Genes: LIAS (lipoic acid synthetase; plus strand), LOC112939935 (Sharpr-MPRA regulatory region 11886; plus strand). Cytogenetic location: 4p14.
Variant type: single nucleotide variant.
Coding change: c.37G>A on transcript NM_006859.4 (MANE Select); coding-DNA position 37, G replaced by A.
Protein change: p.Gly13Arg; replaces glycine 13 with arginine.
Molecular consequence: missense variant.
Genome position (GRCh38, 1-based): chr4:39,459,154, G>A. VCF-style: chr4-39459154-G-A. GRCh37 (hg19) VCF-style: chr4-39460774-G-A.
Other names: c.37G>A, p.Gly13Arg (NM_001278590.2, NM_001278591.2, NM_001278592.2 and 2 more transcripts); short protein forms G13R.
Identifiers: ClinVar variation 575602 (VCV000575602.6), dbSNP rs1320749254, ClinGen allele CA356663516.
Genomic context (GRCh38, chr4:39,459,154, plus strand): 5'-CACTGCGCTAGTCCTAAAGAGGAAATGTCTCTACGCTGCGGGGATGCAGCCCGCACCCTG[G>A]GGCCCCGGGTGAGCGGCGGGGCGAACGGGTTTGGGCGTGGGGTGGGGGGATCCTATCCCT-3'
Protein context (NP_006850.2, residues 3-23): LRCGDAARTL[Gly13Arg]PRVFGRYFCS